The following is an entry in ClinVar:

ClinVar aggregate classification (germline): Uncertain significance (0 of 4 stars; one submission).

Conditions:
PAX6-related disorder. Also called: PAX6-related disorders; PAX6-related condition.

Submission:

PreventionGenetics, part of Exact Sciences
Classification: Uncertain significance for PAX6-related condition. Last evaluated: 2024-05-13. Review status: no assertion criteria provided. Collection method: clinical testing. Allele origin: germline.
Comment: The PAX6 c.639G>C variant is predicted to result in the amino acid substitution p.Glu213Asp. To our knowledge, this variant has not been reported in the literature or in a large population database, indicating this variant is rare. At this time, the clinical significance of this variant is uncertain due to the absence of conclusive functional and genetic evidence.

NM_001368894.2(PAX6):c.639G>C (p.Glu213Asp)

Gene: PAX6 (paired box 6; minus strand). Cytogenetic location: 11p13.
Variant type: single nucleotide variant.
Coding change: c.639G>C on transcript NM_001368894.2 (MANE Select); coding-DNA position 639, G replaced by C.
Protein change: p.Glu213Asp; replaces glutamic acid 213 with aspartic acid.
Molecular consequence: missense variant. On other transcripts: 5 prime UTR variant (1), non-coding transcript variant (2).
Genome position (GRCh38, 1-based): chr11:31,794,715, C>G on the plus strand (G>C on the coding strand, the complement: PAX6 is on the minus strand). VCF-style: chr11-31794715-C-G. GRCh37 (hg19) VCF-style: chr11-31816263-C-G.
Other names: c.597G>C, p.Glu199Asp (NM_000280.6, NM_001127612.3, NM_001258464.2 and 10 more transcripts); c.639G>C, p.Glu213Asp (NM_001258462.3, NM_001258463.2, NM_001310158.2 and 6 more transcripts); c.189G>C, p.Glu63Asp (NM_001310160.2, NM_001310161.3, NM_001368899.2 and 11 more transcripts); c.840G>C, p.Glu280Asp (NM_001368910.2); c.642G>C, p.Glu214Asp (NM_001368911.2); c.714G>C, p.Glu238Asp (NM_001368918.2, NM_001368919.2); c.672G>C, p.Glu224Asp (NM_001368920.2); c.438G>C, p.Glu146Asp (NM_001368921.2, NM_001368922.2, NM_001368923.2 and 4 more transcripts); and 2 more; short protein forms E132D, E146D, E199D, E213D, E214D, E224D, E238D, E280D.
Identifiers: ClinVar variation 3350697 (VCV003350697.1).